The following is an entry in ClinVar:

NM_014208.3(DSPP):c.1591A>G (p.Asn531Asp)

Genes: DMP1-AS1 (DMP1 and DSPP antisense RNA 1; minus strand), DSPP (dentin sialophosphoprotein; plus strand). Cytogenetic location: 4q22.1.
Variant type: single nucleotide variant.
Coding change: c.1591A>G on transcript NM_014208.3 (MANE Select); coding-DNA position 1591, A replaced by G.
Protein change: p.Asn531Asp; replaces asparagine 531 with aspartic acid.
Molecular consequence: missense variant.
Genome position (GRCh38, 1-based): chr4:87,614,253, A>G. VCF-style: chr4-87614253-A-G. GRCh37 (hg19) VCF-style: chr4-88535405-A-G.
Other names: short protein forms N531D.
Identifiers: ClinVar variation 3085990 (VCV003085990.2), dbSNP rs955421605, ClinGen allele CA100853310.

ClinVar aggregate classification (germline): Uncertain significance. Review status: criteria provided, multiple submitters, no conflicts (2 of 4 stars). 2 submissions from 2 submitters: Uncertain significance (2). Last evaluated 2024-10-08.

Conditions:
Inborn genetic diseases. Identifiers: MedGen C0950123, MeSH D030342.

Allele frequency attached by ClinVar (database versions not stated): gnomAD exomes 0.00001; gnomAD 0.00012; TOPMed 0.00013.
gnomAD v4.1: 35 of 1,614,272 alleles (0.0022%); highest among the groups gnomAD compares: African/African-American, 0.039%; no homozygotes.

Submissions (2):

GeneDx
Classification: Uncertain significance. Last evaluated: 2024-10-08. Review status: criteria provided, single submitter. Criteria: GeneDx Variant Classification Process June 2021. Collection method: clinical testing. Allele origin: germline. Affected: yes.
Comment: In silico analysis indicates that this missense variant does not alter protein structure/function; Has not been previously published as pathogenic or benign to our knowledge

Ambry Genetics
Classification: Uncertain significance for Inborn genetic diseases. Last evaluated: 2023-12-13. Review status: criteria provided, single submitter. Criteria: Ambry Variant Classification Scheme 2023. Collection method: clinical testing. Allele origin: germline.